The following is an entry in ClinVar:

ClinVar aggregate classification (germline): Uncertain significance. Review status: criteria provided, multiple submitters, no conflicts (2 of 4 stars). 3 submissions from 3 submitters: Uncertain significance (3). Last evaluated 2025-12-16.

Conditions:
Inborn genetic diseases. Identifiers: MedGen C0950123, MeSH D030342.
Pontocerebellar hypoplasia type 1B. Also called: EXOSC3 Pontocerebellar Hypoplasia. Identifiers: Orphanet 2254, MedGen C3553449, MONDO:0013853, OMIM 614678.

Allele frequency attached by ClinVar (database versions not stated): gnomAD below 0.00001 and 0.00001; TOPMed below 0.00001; gnomAD exomes 0.00004 and 0.00005; ExAC 0.00006.

Submissions (3):

Ambry Genetics
Classification: Uncertain significance for Inborn genetic diseases. Last evaluated: 2025-12-16. Review status: criteria provided, single submitter. Criteria: Ambry Variant Classification Scheme 2023. Collection method: clinical testing. Allele origin: germline.

Labcorp Genetics (formerly Invitae), Labcorp
Classification: Uncertain significance for Pontocerebellar hypoplasia type 1B. Last evaluated: 2022-06-04. Review status: criteria provided, single submitter. Criteria: Invitae Variant Classification Sherloc (09022015). Collection method: clinical testing. Allele origin: germline.
Comment: This sequence change replaces serine, which is neutral and polar, with leucine, which is neutral and non-polar, at codon 262 of the EXOSC3 protein (p.Ser262Leu). This variant is present in population databases (rs767942736, gnomAD 0.03%), including at least one homozygous and/or hemizygous individual. This variant has not been reported in the literature in individuals affected with EXOSC3-related conditions. ClinVar contains an entry for this variant (Variation ID: 661315). Algorithms developed to predict the effect of missense changes on protein structure and function (SIFT, PolyPhen-2, Align-GVGD) all suggest that this variant is likely to be tolerated. In summary, the available evidence is currently insufficient to determine the role of this variant in disease. Therefore, it has been classified as a Variant of Uncertain Significance.

Blueprint Genetics
Classification: Uncertain significance. Last evaluated: 2018-10-15. Review status: criteria provided, single submitter. Criteria: ACMG Guidelines, 2015. Collection method: clinical testing. Allele origin: germline.

NM_016042.4(EXOSC3):c.785C>T (p.Ser262Leu)

Gene: EXOSC3 (exosome component 3; minus strand). Cytogenetic location: 9p13.2.
Variant type: single nucleotide variant.
Coding change: c.785C>T on transcript NM_016042.4 (MANE Select); coding-DNA position 785, C replaced by T.
Protein change: p.Ser262Leu; replaces serine 262 with leucine.
Molecular consequence: missense variant. On other transcripts: 3 prime UTR variant (1).
Genome position (GRCh38, 1-based): chr9:37,780,722, G>A on the plus strand (C>T on the coding strand, the complement: EXOSC3 is on the minus strand). VCF-style: chr9-37780722-G-A. GRCh37 (hg19) VCF-style: chr9-37780719-G-A.
Other names: c.*138C>T (NM_001002269.2); c.785C>T (NM_016042.2); short protein forms S262L.
Identifiers: ClinVar variation 661315 (VCV000661315.6), dbSNP rs767942736, ClinGen allele CA5062666.